The following is an entry in ClinVar:

NM_001366521.1(ATP2B1):c.458G>A (p.Trp153Ter)

Gene: ATP2B1 (ATPase plasma membrane Ca2+ transporting 1; minus strand). Cytogenetic location: 12q21.33.
Variant type: single nucleotide variant.
Coding change: c.458G>A on transcript NM_001366521.1 (MANE Select); coding-DNA position 458, G replaced by A.
Protein change: p.Trp153Ter; replaces tryptophan 153 with a stop codon.
Molecular consequence: nonsense. On other transcripts: intron variant (2).
Genome position (GRCh38, 1-based): chr12:89,635,200, C>T on the plus strand (G>A on the coding strand, the complement: ATP2B1 is on the minus strand). VCF-style: chr12-89635200-C-T. GRCh37 (hg19) VCF-style: chr12-90028977-C-T.
Other names: c.458G>A, p.Trp153Ter (NM_001001323.2, NM_001366520.1, NM_001366522.1 and 8 more transcripts); c.260G>A, p.Trp87Ter (NM_001366530.1); c.406+6958G>A (NM_001366531.1, NM_001366532.1); short protein forms W153*, W87*.
Identifiers: ClinVar variation 1679166 (VCV001679166.5), dbSNP rs2136193860, ClinGen allele CA386127895.

ClinVar aggregate classification (germline): Likely pathogenic. Review status: criteria provided, single submitter (1 of 4 stars). 3 submissions from 2 submitters: Likely pathogenic (2). 1 of the submissions does not count toward it. Last evaluated 2024-10-01.

Conditions:
Neurodevelopmental disorder. Identifiers: MedGen C1535926, MeSH D065886, MONDO:0700092.
Intellectual developmental disorder, autosomal dominant 66. Also called: MENTAL RETARDATION, AUTOSOMAL DOMINANT 66. Identifiers: MedGen C5677000, MONDO:0030891, OMIM 619910.

Submissions (3):

Institute of Human Genetics, University of Leipzig Medical Center
Classification: Likely pathogenic for Intellectual developmental disorder, autosomal dominant 66. Last evaluated: 2024-10-01. Review status: criteria provided, single submitter. Criteria: ACMG Guidelines, 2015. Collection method: clinical testing. Allele origin: unknown. Inheritance: Autosomal dominant inheritance. Affected: yes.
Comment: Criteria applied: PVS1,PM2_SUP

Institute of Human Genetics, University of Leipzig Medical Center
Classification: Likely pathogenic for Neurodevelopmental disorder. Last evaluated: 2022-04-11. Review status: criteria provided, single submitter. Criteria: ACMG Guidelines, 2015. Collection method: clinical testing. Allele origin: unknown. Affected: yes.
Comment: Criteria applied: PVS1, PM2_SUP3

OMIM
Classification: Pathogenic for INTELLECTUAL DEVELOPMENTAL DISORDER, AUTOSOMAL DOMINANT 66. Last evaluated: 2026-01-31. Review status: no assertion criteria provided. Collection method: literature only. Allele origin: germline. Not counted in ClinVar's aggregate classification.

Literature cited by the submitters: PubMed 35358416 (cited by Institute of Human Genetics, University of Leipzig Medical Center); PubMed 41223852 (cited by OMIM).